The following is an entry in ClinVar:

ClinVar aggregate classification (germline): Uncertain significance (1 of 4 stars; one submission).

gnomAD v4.1: 8 of 1,613,356 alleles (0.0005%); highest among the groups gnomAD compares: Admixed American, 0.0017%; no homozygotes.

Submission:

Labcorp Genetics (formerly Invitae), Labcorp
Classification: Uncertain significance. Last evaluated: 2025-07-16. Review status: criteria provided, single submitter. Criteria: Invitae Variant Classification Sherloc (09022015). Collection method: clinical testing. Allele origin: germline.
Comment: This sequence change replaces valine, which is neutral and non-polar, with isoleucine, which is neutral and non-polar, at codon 136 of the MAD2L2 protein (p.Val136Ile). This variant is present in population databases (rs771992289, gnomAD 0.003%). This variant has not been reported in the literature in individuals affected with MAD2L2-related conditions. An algorithm developed to predict the effect of missense changes on protein structure and function (PolyPhen-2) suggests that this variant is likely to be tolerated. In summary, the available evidence is currently insufficient to determine the role of this variant in disease. Therefore, it has been classified as a Variant of Uncertain Significance.

NM_006341.4(MAD2L2):c.406G>A (p.Val136Ile)

Gene: MAD2L2 (mitotic arrest deficient 2 like 2; minus strand). Cytogenetic location: 1p36.22.
Variant type: single nucleotide variant.
Coding change: c.406G>A on transcript NM_006341.4 (MANE Select); coding-DNA position 406, G replaced by A.
Protein change: p.Val136Ile; replaces valine 136 with isoleucine.
Molecular consequence: missense variant.
Genome position (GRCh38, 1-based): chr1:11,676,067, C>T on the plus strand (G>A on the coding strand, the complement: MAD2L2 is on the minus strand). VCF-style: chr1-11676067-C-T. GRCh37 (hg19) VCF-style: chr1-11736124-C-T.
Other names: c.406G>A, p.Val136Ile (NM_001127325.2); short protein forms V136I.
Identifiers: ClinVar variation 4760629 (VCV004760629.1).